The following is an entry in ClinVar:

ClinVar aggregate classification (germline): Uncertain significance (1 of 4 stars; one submission).

Conditions:
Osteopathia striata with cranial sclerosis (OSCS). Also called: HYPEROSTOSIS GENERALISATA WITH STRIATIONS. Identifiers: Orphanet 2780, MedGen C0432268, MONDO:0010310, OMIM 300373.

Allele frequency attached by ClinVar (database versions not stated): TOPMed below 0.00001; gnomAD 0.00001.
gnomAD v4.1: 1 of 1,210,534 alleles (0.000083%); highest among the groups gnomAD compares: African/African-American, 0.0017%; no homozygotes.

Submission:

St. Jude Molecular Pathology, St. Jude Children's Research Hospital
Classification: Uncertain significance for Osteopathia striata with cranial sclerosis. Last evaluated: 2021-07-22. Review status: criteria provided, single submitter. Criteria: St. Jude Assertion Criteria 2020. Collection method: clinical testing. Allele origin: germline.
Comment: The AMER1 c.171G>T (p.Met57Ile) missense change is absent in gnomAD v2.1.1 (PM2_supporting). Five of seven in silico tools predict a benign effect of this variant on protein function (BP4), but these predictions have not been confirmed by functional studies. To our knowledge, this variant has not been reported in individuals with osteopathia striata with cranial sclerosis or Wilms tumor. In summary, this variant meets criteria to be classified as of uncertain significance based on the ACMG/AMP criteria: PM2_supporting, BP4.

NM_152424.4(AMER1):c.171G>T (p.Met57Ile)

Gene: AMER1 (APC membrane recruitment protein 1; minus strand). Cytogenetic location: Xq11.2.
Variant type: single nucleotide variant.
Coding change: c.171G>T on transcript NM_152424.4 (MANE Select); coding-DNA position 171, G replaced by T.
Protein change: p.Met57Ile; replaces methionine 57 with isoleucine.
Molecular consequence: missense variant.
Genome position (GRCh38, 1-based): chrX:64,193,116, C>A on the plus strand (G>T on the coding strand, the complement: AMER1 is on the minus strand). VCF-style: chrX-64193116-C-A. GRCh37 (hg19) VCF-style: chrX-63412996-C-A.
Other names: short protein forms M57I.
Identifiers: ClinVar variation 1184713 (VCV001184713.2), dbSNP rs965178548, ClinGen allele CA329958326.